The following is an entry in ClinVar:

NM_015178.3(RHOBTB2):c.695C>T (p.Pro232Leu)

Gene: RHOBTB2 (Rho related BTB domain containing 2; plus strand). Cytogenetic location: 8p21.3.
Variant type: single nucleotide variant.
Coding change: c.695C>T on transcript NM_015178.3 (MANE Select); coding-DNA position 695, C replaced by T.
Protein change: p.Pro232Leu; replaces proline 232 with leucine.
Molecular consequence: missense variant.
Genome position (GRCh38, 1-based): chr8:23,006,940, C>T. VCF-style: chr8-23006940-C-T. GRCh37 (hg19) VCF-style: chr8-22864453-C-T.
Other names: c.761C>T, p.Pro254Leu (NM_001160036.2); c.716C>T, p.Pro239Leu (NM_001160037.2); c.695C>T, p.Pro232Leu (NM_001374791.1); short protein forms P232L, P239L, P254L.
Identifiers: ClinVar variation 4536329 (VCV004536329.3).

ClinVar aggregate classification (germline): Uncertain significance. Review status: criteria provided, multiple submitters, no conflicts (2 of 4 stars). 2 submissions from 2 submitters: Uncertain significance (2). Last evaluated 2026-01-06.

Submissions (2):

GeneDx
Classification: Uncertain significance. Last evaluated: 2026-01-06. Review status: criteria provided, single submitter. Criteria: GeneDx Variant Classification Process June 2021. Collection method: clinical testing. Allele origin: germline.
Comment: Not observed at significant frequency in large population cohorts (gnomAD); In silico analysis supports that this missense variant has a deleterious effect on protein structure/function; Has not been previously published as pathogenic or benign to our knowledge

Labcorp Genetics (formerly Invitae), Labcorp
Classification: Uncertain significance. Last evaluated: 2025-05-07. Review status: criteria provided, single submitter. Criteria: Invitae Variant Classification Sherloc (09022015). Collection method: clinical testing. Allele origin: germline.
Comment: This sequence change replaces proline, which is neutral and non-polar, with leucine, which is neutral and non-polar, at codon 254 of the RHOBTB2 protein (p.Pro254Leu). This variant is not present in population databases (gnomAD no frequency). This variant has not been reported in the literature in individuals affected with RHOBTB2-related conditions. Invitae Evidence Modeling of protein sequence and biophysical properties (such as structural, functional, and spatial information, amino acid conservation, physicochemical variation, residue mobility, and thermodynamic stability) has been performed for this missense variant. However, the output from this modeling did not meet the statistical confidence thresholds required to predict the impact of this variant on RHOBTB2 protein function. In summary, the available evidence is currently insufficient to determine the role of this variant in disease. Therefore, it has been classified as a Variant of Uncertain Significance.